The following is an entry in ClinVar:

ClinVar aggregate classification (germline): Benign (3 of 4 stars; one submission).

Conditions:
Breast-ovarian cancer, familial, susceptibility to, 2 (BROVCA2). Also called: BRCA2 Hereditary Breast and Ovarian Cancer. Identifiers: Orphanet 145, MedGen C2675520, MONDO:0012933, OMIM 612555. Disease mechanism: loss of function.

Allele frequency attached by ClinVar (database versions not stated): 1000 Genomes Project 0.17013; 1000 Genomes Project 30x 0.17302; gnomAD 0.18099 and 0.18432; TOPMed 0.18335.
gnomAD v4.1: 27,575 of 151,812 alleles (18%); highest among the groups gnomAD compares: Middle Eastern, 24%; 2,567 homozygotes.

Submission:

Evidence-based Network for the Interpretation of Germline Mutant Alleles (ENIGMA)
Classification: Benign for Breast-ovarian cancer, familial 2. Last evaluated: 2015-01-12. Review status: reviewed by expert panel. Criteria: ENIGMA BRCA1/2 Classification Criteria (2015). Collection method: curation. Allele origin: germline.
Comment: Class 1 not pathogenic based on frequency >1% in an outbred sampleset. Frequency 0.1941 (Asian), 0.1972 (African), 0.1794 (European), derived from 1000 genomes (2012-04-30).

NM_000059.4(BRCA2):c.7007+1103C>T

Gene: BRCA2 (BRCA2 DNA repair associated; plus strand). Cytogenetic location: 13q13.1.
Variant type: single nucleotide variant.
Coding change: c.7007+1103C>T on transcript NM_000059.4 (MANE Select); 1103 bases into the intron after coding-DNA position 7007, C replaced by T.
Molecular consequence: intron variant.
Genome position (GRCh38, 1-based): chr13:32,347,999, C>T. VCF-style: chr13-32347999-C-T. GRCh37 (hg19) VCF-style: chr13-32922136-C-T.
Other names: IVS 13+1103C>T.
Identifiers: ClinVar variation 209724 (VCV000209724.1), dbSNP rs206081, ClinGen allele CA276692.